The following is an entry in ClinVar:

ClinVar aggregate classification (germline): Uncertain significance (1 of 4 stars; one submission).

Submission:

Women's Health and Genetics/Laboratory Corporation of America, LabCorp
Classification: Uncertain significance. Last evaluated: 2023-09-27. Review status: criteria provided, single submitter. Criteria: LabCorp Variant Classification Summary - May 2015. Collection method: clinical testing. Allele origin: germline.
Comment: Variant summary: MYH7 c.12_24del13 (p.Glu5LeufsX16) results in a premature termination codon, predicted to cause a truncation of the encoded protein or absence of the protein due to nonsense mediated decay, however the molecular mechanism of disease attributed to MYH7 is gain-of-function. The variant was absent in 251190 control chromosomes. The available data on variant occurrences in the general population are insufficient to allow any conclusion about variant significance. To our knowledge, no occurrence of c.12_24del13 in individuals affected with Cardiomyopathy and no experimental evidence demonstrating its impact on protein function have been reported. No submitters have cited clinical-significance assessments for this variant to ClinVar after 2014. Based on the evidence outlined above, the variant was classified as uncertain significance.

NM_000257.4(MYH7):c.12_24del (p.Glu5fs)

Gene: MYH7 (myosin heavy chain 7; minus strand). Cytogenetic location: 14q11.2.
Variant type: Deletion.
Coding change: c.12_24del on transcript NM_000257.4 (MANE Select); coding-DNA positions 12 to 24, 13 bases deleted (GGAGATGGCAGTC).
Protein change: p.Glu5fs; shifts the reading frame from glutamic acid 5.
Molecular consequence: frameshift variant.
Genome position (GRCh38, 1-based): chr14:23,433,709-23,433,721, GACTGCCATCTCC deleted on the plus strand (GGAGATGGCAGTC on the coding strand, the reverse complement: MYH7 is on the minus strand); deleting any 13 consecutive bases within chr14:23,433,709-23,433,723 gives the same sequence; the c. name uses the placement nearest the transcript's 3' end. VCF-style (leftmost placement, unchanged base first): chr14-23433708-AGACTGCCATCTCC-A. GRCh37 (hg19) VCF-style: chr14-23902917-AGACTGCCATCTCC-A.
Other names: c.12_24del, p.Glu5fs (NM_001407004.1); short protein forms E5fs.
Identifiers: ClinVar variation 2627334 (VCV002627334.1), dbSNP rs2502322955, ClinGen allele CA2582341743.